The following is an entry in ClinVar:

ClinVar aggregate classification (germline): Uncertain significance (1 of 4 stars; one submission).

Allele frequency attached by ClinVar (database versions not stated): gnomAD 0.00001; TOPMed 0.00001.
gnomAD v4.1: 12 of 1,613,744 alleles (0.00074%); highest among the groups gnomAD compares: Non-Finnish European, 0.001%; no homozygotes.

Submission:

Labcorp Genetics (formerly Invitae), Labcorp
Classification: Uncertain significance. Last evaluated: 2022-06-15. Review status: criteria provided, single submitter. Criteria: Invitae Variant Classification Sherloc (09022015). Collection method: clinical testing. Allele origin: germline.
Comment: This sequence change replaces arginine, which is basic and polar, with glycine, which is neutral and non-polar, at codon 2330 of the PCLO protein (p.Arg2330Gly). This variant is not present in population databases (gnomAD no frequency). This variant has not been reported in the literature in individuals affected with PCLO-related conditions. Algorithms developed to predict the effect of missense changes on protein structure and function are either unavailable or do not agree on the potential impact of this missense change (SIFT: "Deleterious"; PolyPhen-2: "Not Available"; Align-GVGD: "Class C0"). In summary, the available evidence is currently insufficient to determine the role of this variant in disease. Therefore, it has been classified as a Variant of Uncertain Significance.

NM_033026.6(PCLO):c.6988C>G (p.Arg2330Gly)

Gene: PCLO (piccolo presynaptic cytomatrix protein; minus strand). Cytogenetic location: 7q21.11.
Variant type: single nucleotide variant.
Coding change: c.6988C>G on transcript NM_033026.6 (MANE Select); coding-DNA position 6988, C replaced by G.
Protein change: p.Arg2330Gly; replaces arginine 2330 with glycine.
Molecular consequence: missense variant.
Genome position (GRCh38, 1-based): chr7:82,953,965, G>C on the plus strand (C>G on the coding strand, the complement: PCLO is on the minus strand). VCF-style: chr7-82953965-G-C. GRCh37 (hg19) VCF-style: chr7-82583281-G-C.
Other names: c.6988C>G, p.Arg2330Gly (NM_014510.3); short protein forms R2330G.
Identifiers: ClinVar variation 2053448 (VCV002053448.1), dbSNP rs929029668, ClinGen allele CA161146878.